The following is an entry in ClinVar:

NM_002294.3(LAMP2):c.211A>G (p.Thr71Ala)

Gene: LAMP2 (lysosome associated membrane protein 2; minus strand). Cytogenetic location: Xq24.
Variant type: single nucleotide variant.
Coding change: c.211A>G on transcript NM_002294.3 (MANE Select); coding-DNA position 211, A replaced by G.
Protein change: p.Thr71Ala; replaces threonine 71 with alanine.
Molecular consequence: missense variant.
Genome position (GRCh38, 1-based): chrX:120,455,543, T>C on the plus strand (A>G on the coding strand, the complement: LAMP2 is on the minus strand). VCF-style: chrX-120455543-T-C. GRCh37 (hg19) VCF-style: chrX-119589398-T-C.
Other names: c.211A>G, p.Thr71Ala (NM_001122606.1, NM_013995.2); short protein forms T71A.
Identifiers: ClinVar variation 2872047 (VCV002872047.1), dbSNP rs747390282, ClinGen allele CA10505331.
Genomic context (GRCh38, chrX:120,455,543, plus strand): 5'-GCACTGCTATTTTGGGACCATTCTGATCATCCCCACAAATGCTTCCATTATATGTCACAG[T>C]GCCATGGTCTGAAATGGTTACAGTTTTCTAAAAGAAATAGAAATTTGGGGGTGAGAAACA-3'
Protein context (NP_002285.1, residues 61-81): YKTVTISDHG[Thr71Ala]VTYNGSICGD

ClinVar aggregate classification (germline): Uncertain significance (1 of 4 stars; one submission).

Conditions:
Danon disease. Also called: ANTOPOL DISEASE; PSEUDOGLYCOGENOSIS II; GSD IIb; LYSOSOMAL GLYCOGEN STORAGE DISEASE WITHOUT ACID MALTASE DEFICIENCY; Glycogen Storage Disease Type IIb. Identifiers: Orphanet 34587, MedGen C0878677, MONDO:0010281, OMIM 300257.

Allele frequency attached by ClinVar (database versions not stated): gnomAD exomes below 0.00001; TOPMed below 0.00001; ExAC 0.00001; gnomAD 0.00001.
gnomAD v4.1: 4 of 1,206,017 alleles (0.00033%); highest among the groups gnomAD compares: East Asian, 0.003%; no homozygotes.

Submission:

Labcorp Genetics (formerly Invitae), Labcorp
Classification: Uncertain significance for Danon disease. Last evaluated: 2023-09-15. Review status: criteria provided, single submitter. Criteria: Invitae Variant Classification Sherloc (09022015). Collection method: clinical testing. Allele origin: germline.
Comment: This sequence change replaces threonine, which is neutral and polar, with alanine, which is neutral and non-polar, at codon 71 of the LAMP2 protein (p.Thr71Ala). This variant is present in population databases (rs747390282, gnomAD 0.008%). This variant has not been reported in the literature in individuals affected with LAMP2-related conditions. Advanced modeling of protein sequence and biophysical properties (such as structural, functional, and spatial information, amino acid conservation, physicochemical variation, residue mobility, and thermodynamic stability) performed at Invitae indicates that this missense variant is not expected to disrupt LAMP2 protein function. In summary, the available evidence is currently insufficient to determine the role of this variant in disease. Therefore, it has been classified as a Variant of Uncertain Significance.